The following is an entry in ClinVar:

NM_002788.4(PSMA3):c.35C>T (p.Ala12Val)

Gene: PSMA3 (proteasome 20S subunit alpha 3; plus strand). Cytogenetic location: 14q23.1.
Variant type: single nucleotide variant.
Coding change: c.35C>T on transcript NM_002788.4 (MANE Select); coding-DNA position 35, C replaced by T.
Protein change: p.Ala12Val; replaces alanine 12 with valine.
Molecular consequence: missense variant.
Genome position (GRCh38, 1-based): chr14:58,247,763, C>T. VCF-style: chr14-58247763-C-T. GRCh37 (hg19) VCF-style: chr14-58714481-C-T.
Other names: c.35C>T, p.Ala12Val (NM_152132.3); short protein forms A12V.
Identifiers: ClinVar variation 2008426 (VCV002008426.4), dbSNP rs1218649086, ClinGen allele CA389846273.

ClinVar aggregate classification (germline): Uncertain significance (1 of 4 stars; one submission).

Allele frequency attached by ClinVar (database versions not stated): gnomAD exomes below 0.00001.
gnomAD v4.1: 1 of 1,604,252 alleles (0.000062%); highest among the groups gnomAD compares: African/African-American, 0.0013%; no homozygotes.

Submission:

Labcorp Genetics (formerly Invitae), Labcorp
Classification: Uncertain significance. Last evaluated: 2022-06-19. Review status: criteria provided, single submitter. Criteria: Invitae Variant Classification Sherloc (09022015). Collection method: clinical testing. Allele origin: germline.
Comment: In summary, the available evidence is currently insufficient to determine the role of this variant in disease. Therefore, it has been classified as a Variant of Uncertain Significance. Algorithms developed to predict the effect of missense changes on protein structure and function (SIFT, PolyPhen-2, Align-GVGD) all suggest that this variant is likely to be tolerated. This variant has not been reported in the literature in individuals affected with PSMA3-related conditions. This variant is present in population databases (no rsID available, gnomAD 0.007%). This sequence change replaces alanine, which is neutral and non-polar, with valine, which is neutral and non-polar, at codon 12 of the PSMA3 protein (p.Ala12Val).